The following is an entry in ClinVar:

NM_000051.4(ATM):c.1100C>T (p.Ser367Phe)

Gene: ATM (ATM serine/threonine kinase; plus strand). Cytogenetic location: 11q22.3.
Variant type: single nucleotide variant.
Coding change: c.1100C>T on transcript NM_000051.4 (MANE Select); coding-DNA position 1100, C replaced by T.
Protein change: p.Ser367Phe; replaces serine 367 with phenylalanine.
Molecular consequence: missense variant.
Genome position (GRCh38, 1-based): chr11:108,248,967, C>T. VCF-style: chr11-108248967-C-T. GRCh37 (hg19) VCF-style: chr11-108119694-C-T.
Other names: c.1100C>T, p.Ser367Phe (NM_001351834.2); c.1100C>T (NM_000051.3); short protein forms S367F.
Identifiers: ClinVar variation 1021081 (VCV001021081.9), dbSNP rs2079990831, ClinGen allele CA382532385.

ClinVar aggregate classification (germline): Conflicting classifications of pathogenicity. Review status: criteria provided, conflicting classifications (1 of 4 stars). 2 submissions from 2 submitters: Uncertain significance (1); Likely benign (1). Last evaluated 2024-01-09.

Conditions:
Ataxia-telangiectasia syndrome (AT). Also called: ATAXIA-TELANGIECTASIA, FRESNO VARIANT; Ataxia-telangiectasia, complementation group D; AT, COMPLEMENTATION GROUP C; Cerebello-oculocutaneous telangiectasia; Immunodeficiency with ataxia telangiectasia; Ataxia telangiectasia (A-T). Identifiers: Orphanet 100, MedGen C0004135, MONDO:0008840, OMIM 208900.
Hereditary cancer-predisposing syndrome. Also called: Hereditary neoplastic syndrome; Neoplastic Syndromes, Hereditary; Tumor predisposition; Hereditary Cancer Syndrome. Identifiers: Orphanet 140162, MedGen C0027672, MeSH D009386, MONDO:0015356.

Submissions (2):

Labcorp Genetics (formerly Invitae), Labcorp
Classification: Uncertain significance for Ataxia-telangiectasia syndrome. Last evaluated: 2024-01-09. Review status: criteria provided, single submitter. Criteria: Invitae Variant Classification Sherloc (09022015). Collection method: clinical testing. Allele origin: germline.
Comment: This sequence change replaces serine, which is neutral and polar, with phenylalanine, which is neutral and non-polar, at codon 367 of the ATM protein (p.Ser367Phe). This variant is not present in population databases (gnomAD no frequency). This variant has not been reported in the literature in individuals affected with ATM-related conditions. ClinVar contains an entry for this variant (Variation ID: 1021081). An algorithm developed to predict the effect of missense changes on protein structure and function (PolyPhen-2) suggests that this variant is likely to be tolerated. In summary, the available evidence is currently insufficient to determine the role of this variant in disease. Therefore, it has been classified as a Variant of Uncertain Significance.

Ambry Genetics
Classification: Likely benign for Hereditary cancer-predisposing syndrome. Last evaluated: 2024-01-05. Review status: criteria provided, single submitter. Criteria: Ambry Variant Classification Scheme 2023. Collection method: clinical testing. Allele origin: germline.